The following is an entry in ClinVar:

NM_025132.4(WDR19):c.2786G>A (p.Arg929His)

Gene: WDR19 (WD repeat domain 19; plus strand). Cytogenetic location: 4p14.
Variant type: single nucleotide variant.
Coding change: c.2786G>A on transcript NM_025132.4 (MANE Select); coding-DNA position 2786, G replaced by A.
Protein change: p.Arg929His; replaces arginine 929 with histidine.
Molecular consequence: missense variant.
Genome position (GRCh38, 1-based): chr4:39,253,202, G>A. VCF-style: chr4-39253202-G-A. GRCh37 (hg19) VCF-style: chr4-39254822-G-A.
Other names: c.2786G>A (NM_025132.3); c.2306G>A, p.Arg769His (NM_001317924.2); short protein forms R769H, R929H.
Identifiers: ClinVar variation 1021213 (VCV001021213.6), dbSNP rs201685269, ClinGen allele CA2892192.

ClinVar aggregate classification (germline): Uncertain significance. Review status: criteria provided, multiple submitters, no conflicts (2 of 4 stars). 4 submissions from 4 submitters: Uncertain significance (4). Last evaluated 2024-05-01.

Conditions:
Inborn genetic diseases. Identifiers: MedGen C0950123, MeSH D030342.
Asphyxiating thoracic dystrophy 5 (SRTD5). Also called: SHORT-RIB THORACIC DYSPLASIA 5 WITH OR WITHOUT POLYDACTYLY; SHORT-RIB THORACIC DYSPLASIA 5 WITHOUT POLYDACTYLY. Identifiers: Orphanet 474, MedGen C3280598, MONDO:0013717, OMIM 614376.
Senior-Loken syndrome 8 (SLSN8). Identifiers: Orphanet 3156, MedGen C4225376, MONDO:0014579, OMIM 616307.

Allele frequency attached by ClinVar (database versions not stated): gnomAD 0.00004 and 0.00005; gnomAD exomes 0.00004; TOPMed 0.00004; ExAC 0.00005; 1000 Genomes Project 30x 0.00016; ESP Exome Variant Server 0.00017; 1000 Genomes Project 0.00020.
gnomAD v4.1: 114 of 1,613,106 alleles (0.0071%); highest among the groups gnomAD compares: East Asian, 0.0089%; no homozygotes.

Submissions (4):

Ambry Genetics
Classification: Uncertain significance for Inborn genetic diseases. Last evaluated: 2024-05-01. Review status: criteria provided, single submitter. Criteria: Ambry Variant Classification Scheme 2023. Collection method: clinical testing. Allele origin: germline.

GeneDx
Classification: Uncertain significance. Last evaluated: 2022-10-05. Review status: criteria provided, single submitter. Criteria: GeneDx Variant Classification Process June 2021. Collection method: clinical testing. Allele origin: germline. Affected: yes.
Comment: In silico analysis supports that this missense variant has a deleterious effect on protein structure/function; Has not been previously published as pathogenic or benign to our knowledge; This variant is associated with the following publications: (PMID: 27149842)

Blueprint Genetics
Classification: Uncertain significance. Last evaluated: 2022-09-07. Review status: criteria provided, single submitter. Criteria: ACMG Guidelines, 2015. Collection method: clinical testing. Allele origin: germline.

Labcorp Genetics (formerly Invitae), Labcorp
Classification: Uncertain significance for Senior-Loken syndrome 8; Asphyxiating thoracic dystrophy 5. Last evaluated: 2021-09-10. Review status: criteria provided, single submitter. Criteria: Invitae Variant Classification Sherloc (09022015). Collection method: clinical testing. Allele origin: germline.
Comment: This sequence change replaces arginine with histidine at codon 929 of the WDR19 protein (p.Arg929His). The arginine residue is highly conserved and there is a small physicochemical difference between arginine and histidine. This variant is present in population databases (rs201685269, ExAC 0.02%). This variant has not been reported in the literature in individuals affected with WDR19-related conditions. Algorithms developed to predict the effect of missense changes on protein structure and function (SIFT, PolyPhen-2, Align-GVGD) all suggest that this variant is likely to be disruptive. In summary, the available evidence is currently insufficient to determine the role of this variant in disease. Therefore, it has been classified as a Variant of Uncertain Significance.